The following is an entry in ClinVar:

NM_032634.4(PIGO):c.2188C>G (p.Pro730Ala)

Gene: PIGO (phosphatidylinositol glycan anchor biosynthesis class O; minus strand). Cytogenetic location: 9p13.3.
Variant type: single nucleotide variant.
Coding change: c.2188C>G on transcript NM_032634.4 (MANE Select); coding-DNA position 2188, C replaced by G.
Protein change: p.Pro730Ala; replaces proline 730 with alanine.
Molecular consequence: missense variant. On other transcripts: intron variant (2).
Genome position (GRCh38, 1-based): chr9:35,091,699, G>C on the plus strand (C>G on the coding strand, the complement: PIGO is on the minus strand). VCF-style: chr9-35091699-G-C. GRCh37 (hg19) VCF-style: chr9-35091696-G-C.
Other names: c.1345-408C>G (NM_152850.4, NM_001201484.2); short protein forms P730A.
Identifiers: ClinVar variation 1016441 (VCV001016441.9), dbSNP rs747418653, ClinGen allele CA5040483.

ClinVar aggregate classification (germline): Conflicting classifications of pathogenicity. Review status: criteria provided, conflicting classifications (1 of 4 stars). 2 submissions from 2 submitters: Uncertain significance (1); Likely benign (1). Last evaluated 2025-05-18.

Conditions:
Hyperphosphatasia with impaired intellectual development syndrome 2. Also called: Hyperphosphatasia with intellectual disability syndrome 2; GLYCOSYLPHOSPHATIDYLINOSITOL BIOSYNTHESIS DEFECT 6. Identifiers: Orphanet 247262, MedGen C3553637, MONDO:0013882, OMIM 614749.

Allele frequency attached by ClinVar (database versions not stated): gnomAD 0.00011 and 0.00013; ExAC 0.00004; TOPMed 0.00010.

Submissions (2):

Labcorp Genetics (formerly Invitae), Labcorp
Classification: Likely benign for Hyperphosphatasia with impaired intellectual development syndrome 2. Last evaluated: 2025-05-18. Review status: criteria provided, single submitter. Criteria: Invitae Variant Classification Sherloc (09022015). Collection method: clinical testing. Allele origin: germline.

GeneDx
Classification: Uncertain significance. Last evaluated: 2024-08-08. Review status: criteria provided, single submitter. Criteria: GeneDx Variant Classification Process June 2021. Collection method: clinical testing. Allele origin: germline. Affected: yes.
Comment: In silico analysis indicates that this missense variant does not alter protein structure/function; Has not been previously published as pathogenic or benign to our knowledge